The following is an entry in ClinVar:

ClinVar aggregate classification (germline): Uncertain significance. Review status: criteria provided, multiple submitters, no conflicts (2 of 4 stars). 2 submissions from 2 submitters: Uncertain significance (2). Last evaluated 2025-01-13.

Submissions (2):

Labcorp Genetics (formerly Invitae), Labcorp
Classification: Uncertain significance. Last evaluated: 2025-01-13. Review status: criteria provided, single submitter. Criteria: Invitae Variant Classification Sherloc (09022015). Collection method: clinical testing. Allele origin: germline.
Comment: This sequence change replaces alanine, which is neutral and non-polar, with threonine, which is neutral and polar, at codon 206 of the NRL protein (p.Ala206Thr). This variant is not present in population databases (gnomAD no frequency). This variant has not been reported in the literature in individuals affected with NRL-related conditions. ClinVar contains an entry for this variant (Variation ID: 1015833). An algorithm developed to predict the effect of missense changes on protein structure and function (PolyPhen-2) suggests that this variant is likely to be disruptive. Algorithms developed to predict the effect of sequence changes on RNA splicing suggest that this variant may create or strengthen a splice site. In summary, the available evidence is currently insufficient to determine the role of this variant in disease. Therefore, it has been classified as a Variant of Uncertain Significance.

Blueprint Genetics
Classification: Uncertain significance. Last evaluated: 2023-10-18. Review status: criteria provided, single submitter. Criteria: ACMG Guidelines, 2015. Collection method: clinical testing. Allele origin: germline.

NM_001354768.3(NRL):c.616G>A (p.Ala206Thr)

Genes: NRL (neural retina leucine zipper; minus strand), LOC130055387 (ATAC-STARR-seq lymphoblastoid silent region 5620; plus strand). Cytogenetic location: 14q11.2.
Variant type: single nucleotide variant.
Coding change: c.616G>A on transcript NM_001354768.3 (MANE Select); coding-DNA position 616, G replaced by A.
Protein change: p.Ala206Thr; replaces alanine 206 with threonine.
Molecular consequence: missense variant.
Genome position (GRCh38, 1-based): chr14:24,081,334, C>T on the plus strand (G>A on the coding strand, the complement: NRL is on the minus strand). VCF-style: chr14-24081334-C-T. GRCh37 (hg19) VCF-style: chr14-24550543-C-T.
Other names: c.616G>A, p.Ala206Thr (NM_001354769.1, NM_006177.5); c.301G>A, p.Ala101Thr (NM_001354770.2); short protein forms A101T, A206T.
Identifiers: ClinVar variation 1015833 (VCV001015833.10), dbSNP rs2036280058, ClinGen allele CA389276882.